The following is an entry in ClinVar:

ClinVar aggregate classification (germline): Pathogenic (1 of 4 stars; one submission).

Conditions:
Anophthalmia-microphthalmia syndrome. Also called: Anophthalmia/Microphthalmia; Anophthalmia - microphthalmia. Identifiers: Orphanet 98555, MedGen C5680330, MONDO:0020147.

Submission:

Labcorp Genetics (formerly Invitae), Labcorp
Classification: Pathogenic for Anophthalmia-microphthalmia syndrome. Last evaluated: 2023-02-04. Review status: criteria provided, single submitter. Criteria: Invitae Variant Classification Sherloc (09022015). Collection method: clinical testing. Allele origin: germline.
Comment: This variant disrupts a region of the OTX2 protein in which other variant(s) (p.Ala236Ser) have been determined to be pathogenic (Invitae). This suggests that this is a clinically significant region of the protein, and that variants that disrupt it are likely to be disease-causing. For these reasons, this variant has been classified as Pathogenic. This variant has not been reported in the literature in individuals affected with OTX2-related conditions. This variant is not present in population databases (gnomAD no frequency). This sequence change creates a premature translational stop signal (p.Leu164Phefs*14) in the OTX2 gene. While this is not anticipated to result in nonsense mediated decay, it is expected to disrupt the last 126 amino acid(s) of the OTX2 protein.

NM_021728.4(OTX2):c.516del (p.Leu172fs)

Gene: OTX2 (orthodenticle homeobox 2; minus strand). Cytogenetic location: 14q22.3.
Variant type: Deletion.
Coding change: c.516del on transcript NM_021728.4 (MANE Select); coding-DNA position 516, one base deleted (G; older notation c.516delG).
Protein change: p.Leu172fs; shifts the reading frame from leucine 172.
Molecular consequence: frameshift variant. On other transcripts: non-coding transcript variant (2).
Genome position (GRCh38, 1-based): chr14:56,802,113, C deleted on the plus strand (G on the coding strand, the reverse complement: OTX2 is on the minus strand). VCF-style (leftmost placement, unchanged base first): chr14-56802112-AC-A. GRCh37 (hg19) VCF-style: chr14-57268830-AC-A.
Other names: c.492del, p.Leu164fs (NM_001270523.2, NM_001270524.2, NM_172337.3); c.516del, p.Leu172fs (NM_001270525.2); short protein forms L164fs, L172fs.
Identifiers: ClinVar variation 2834678 (VCV002834678.3), dbSNP rs2503896661, ClinGen allele CA2739279790.
Genomic context (GRCh38, chr14:56,802,112, plus strand): 5'-AACCTGAAGCCTGAGTATAGGTCATGGGATAGGACCTCTGCATGCAGGAAGAGGAGGTGG[AC>A]AAGGGATCTGACAGTGGGGAGATGGAAGCTGGGCTCCAGATAGACACAGGAGCACTGCTG-3'